The following is an entry in ClinVar:

ClinVar aggregate classification (germline): Uncertain significance. Review status: criteria provided, multiple submitters, no conflicts (2 of 4 stars). 4 submissions from 4 submitters: Uncertain significance (3). 1 of the submissions does not count toward it. Last evaluated 2022-07-11.

Conditions:
STIL-related disorder. Also called: STIL-related condition.
Microcephaly 7, primary, autosomal recessive. Identifiers: Orphanet 2512, MedGen C2675187, MONDO:0012989, OMIM 612703.

Allele frequency attached by ClinVar (database versions not stated): gnomAD 0.00004; gnomAD exomes 0.00007 and 0.00023; TOPMed 0.00013; ExAC 0.00018.

Submissions (4):

Labcorp Genetics (formerly Invitae), Labcorp
Classification: Uncertain significance. Last evaluated: 2022-07-11. Review status: criteria provided, single submitter. Criteria: Invitae Variant Classification Sherloc (09022015). Collection method: clinical testing. Allele origin: germline.
Comment: This sequence change replaces serine, which is neutral and polar, with leucine, which is neutral and non-polar, at codon 711 of the STIL protein (p.Ser711Leu). This variant is present in population databases (rs201448287, gnomAD 0.2%). This variant has not been reported in the literature in individuals affected with STIL-related conditions. ClinVar contains an entry for this variant (Variation ID: 449275). Algorithms developed to predict the effect of missense changes on protein structure and function are either unavailable or do not agree on the potential impact of this missense change (SIFT: "Deleterious"; PolyPhen-2: "Possibly Damaging"; Align-GVGD: "Class C0"). In summary, the available evidence is currently insufficient to determine the role of this variant in disease. Therefore, it has been classified as a Variant of Uncertain Significance.

Fulgent Genetics
Classification: Uncertain significance for Microcephaly 7, primary, autosomal recessive. Last evaluated: 2018-10-31. Review status: criteria provided, single submitter. Criteria: ACMG Guidelines, 2015. Collection method: clinical testing. Allele origin: unknown.

GeneDx
Classification: Uncertain significance. Last evaluated: 2015-10-15. Review status: criteria provided, single submitter. Criteria: GeneDx Variant Classification (06012015). Collection method: clinical testing. Allele origin: germline. Affected: yes.
Comment: The S711L variant in the STIL gene has not been published as a pathogenic variant, nor has it been reported as a benign polymorphism to our knowledge. This variant was not observed in approximately 6500 individuals of European and African American ancestry in the NHLBI Exome Sequencing Project, indicating it is not a common benign variant in these populations. The S711L variant is a non-conservative amino acid substitution, which is likely to impact secondary protein structure as these residues differ in polarity, charge, size and/or other properties. This substitution occurs at a position that is not conserved, and in silico analysis is inconsistent in its predictions as to whether or not the variant is damaging to the protein structure/function. We interpret S711L as a variant of uncertain significance.

PreventionGenetics, part of Exact Sciences
Classification: Likely benign for STIL-related condition. Last evaluated: 2022-02-23. Review status: no assertion criteria provided. Collection method: clinical testing. Allele origin: germline. Not counted in ClinVar's aggregate classification.
Comment: This variant is classified as likely benign based on ACMG/AMP sequence variant interpretation guidelines (Richards et al. 2015 PMID: 25741868, with internal and published modifications).

NM_001048166.1(STIL):c.2132C>T (p.Ser711Leu)

Gene: STIL (STIL centriolar assembly protein; minus strand). Cytogenetic location: 1p33.
Variant type: single nucleotide variant.
Coding change: c.2132C>T on transcript NM_001048166.1 (MANE Select); coding-DNA position 2132, C replaced by T.
Protein change: p.Ser711Leu; replaces serine 711 with leucine.
Molecular consequence: missense variant.
Genome position (GRCh38, 1-based): chr1:47,280,326, G>A on the plus strand (C>T on the coding strand, the complement: STIL is on the minus strand). VCF-style: chr1-47280326-G-A. GRCh37 (hg19) VCF-style: chr1-47745998-G-A.
Other names: c.2132C>T, p.Ser711Leu (NM_001282936.1, NM_001282937.1, NM_003035.2); c.1991C>T, p.Ser664Leu (NM_001282938.1, NM_001282939.1); short protein forms S711L, S664L.
Identifiers: ClinVar variation 449275 (VCV000449275.9), dbSNP rs201448287, ClinGen allele CA842243.